The following is an entry in ClinVar:

NM_205836.3(FBXO38):c.1417C>T (p.Arg473Ter)

Gene: FBXO38 (F-box protein 38; plus strand). Cytogenetic location: 5q32.
Variant type: single nucleotide variant.
Coding change: c.1417C>T on transcript NM_205836.3 (MANE Select); coding-DNA position 1417, C replaced by T.
Protein change: p.Arg473Ter; replaces arginine 473 with a stop codon.
Molecular consequence: nonsense.
Genome position (GRCh38, 1-based): chr5:148,417,003, C>T. VCF-style: chr5-148417003-C-T. GRCh37 (hg19) VCF-style: chr5-147796566-C-T.
Other names: c.1417C>T, p.Arg473Ter (NM_001271723.2, NM_030793.5); short protein forms R473*.
Identifiers: ClinVar variation 1501311 (VCV001501311.6), dbSNP rs1172459945, ClinGen allele CA361659583.

ClinVar aggregate classification (germline): Uncertain significance (1 of 4 stars; one submission).

Conditions:
Distal hereditary motor neuropathy type 2. Identifiers: Orphanet 139525, MedGen C3711384, MeSH C580044, MONDO:0015352.

Allele frequency attached by ClinVar (database versions not stated): gnomAD exomes below 0.00001.
gnomAD v4.1: 2 of 1,613,408 alleles (0.00012%); highest among the groups gnomAD compares: Non-Finnish European, 0.00017%; no homozygotes.

Submission:

Labcorp Genetics (formerly Invitae), Labcorp
Classification: Uncertain significance for Distal hereditary motor neuropathy type 2. Last evaluated: 2021-07-02. Review status: criteria provided, single submitter. Criteria: Invitae Variant Classification Sherloc (09022015). Collection method: clinical testing. Allele origin: germline.
Comment: In summary, the available evidence is currently insufficient to determine the role of this variant in disease. Therefore, it has been classified as a Variant of Uncertain Significance. This variant has not been reported in the literature in individuals affected with FBXO38-related conditions. This variant is not present in population databases (ExAC no frequency). This sequence change creates a premature translational stop signal (p.Arg473*) in the FBXO38 gene. It is expected to result in an absent or disrupted protein product. However, the current clinical and genetic evidence is not sufficient to establish whether loss-of-function variants in FBXO38 cause disease.